The following is an entry in ClinVar:

NM_001037333.3(CYFIP2):c.1209G>C (p.Trp403Cys)

Gene: CYFIP2 (cytoplasmic FMR1 interacting protein 2; plus strand). Cytogenetic location: 5q33.3.
Variant type: single nucleotide variant.
Coding change: c.1209G>C on transcript NM_001037333.3 (MANE Select); coding-DNA position 1209, G replaced by C.
Protein change: p.Trp403Cys; replaces tryptophan 403 with cysteine.
Molecular consequence: missense variant.
Genome position (GRCh38, 1-based): chr5:157,314,442, G>C. VCF-style: chr5-157314442-G-C. GRCh37 (hg19) VCF-style: chr5-156741450-G-C.
Other names: c.1131G>C, p.Trp377Cys (NM_001291721.2); c.1209G>C, p.Trp403Cys (NM_001291722.2, NM_014376.4); short protein forms W377C, W403C.
Identifiers: ClinVar variation 3346136 (VCV003346136.1).

ClinVar aggregate classification (germline): Uncertain significance (0 of 4 stars; one submission).

Conditions:
CYFIP2-related disorder. Also called: CYFIP2-related condition.

Submission:

PreventionGenetics, part of Exact Sciences
Classification: Uncertain significance for CYFIP2-related condition. Last evaluated: 2024-05-02. Review status: no assertion criteria provided. Collection method: clinical testing. Allele origin: germline.
Comment: The CYFIP2 c.1209G>C variant is predicted to result in the amino acid substitution p.Trp403Cys. To our knowledge, this variant has not been reported in the literature or in a large population database, indicating this variant is rare. Although we suspect that this variant may be pathogenic, at this time, the clinical significance of this variant is uncertain due to the absence of conclusive functional and genetic evidence.